The following is an entry in ClinVar:

ClinVar aggregate classification (germline): Uncertain significance (1 of 4 stars; one submission).

Conditions:
Thyroid dyshormonogenesis 6 (TDH6). Also called: THYROID HORMONOGENESIS, GENETIC DEFECT IN, 6; HYPOTHYROIDISM, CONGENITAL, DUE TO DYSHORMONOGENESIS, 6; Genetic transient congenital hypothyroidism. Identifiers: Orphanet 226316, Orphanet 95716, MedGen C1846632, MONDO:0011792, OMIM 607200.

gnomAD v4.1: 9 of 1,612,754 alleles (0.00056%); highest among the groups gnomAD compares: East Asian, 0.02%; no homozygotes.

Submission:

Juno Genomics, Hangzhou Juno Genomics, Inc
Classification: Uncertain significance for Thyroid dyshormonogenesis 6. Review status: criteria provided, single submitter. Criteria: ACMG Guidelines, 2015. Collection method: clinical testing. Allele origin: germline.
Comment: Absent from controls (or at extremely low frequency if recessive) in Genome Aggregation Database.;For recessive disorders, detected in trans with a pathogenic variant.;Patient's phenotype or family history is highly specific for a disease with a single genetic etiology.

NM_001363711.2(DUOX2):c.227C>T (p.Pro76Leu)

Gene: DUOX2 (dual oxidase 2; minus strand). Cytogenetic location: 15q21.1.
Variant type: single nucleotide variant.
Coding change: c.227C>T on transcript NM_001363711.2 (MANE Select); coding-DNA position 227, C replaced by T.
Protein change: p.Pro76Leu; replaces proline 76 with leucine.
Molecular consequence: missense variant.
Genome position (GRCh38, 1-based): chr15:45,112,652, G>A on the plus strand (C>T on the coding strand, the complement: DUOX2 is on the minus strand). VCF-style: chr15-45112652-G-A. GRCh37 (hg19) VCF-style: chr15-45404850-G-A.
Other names: c.227C>T, p.Pro76Leu (NM_014080.5); short protein forms P76L.
Identifiers: ClinVar variation 5019920 (VCV005019920.2).